The following is an entry in ClinVar:

ClinVar aggregate classification (germline): Likely benign. Review status: criteria provided, multiple submitters, no conflicts (2 of 4 stars). 3 submissions from 3 submitters: Likely benign (3). Last evaluated 2025-05-19.

Conditions:
Intellectual developmental disorder, X-linked 1. Also called: MENTAL RETARDATION, X-LINKED 18; MENTAL RETARDATION, X-LINKED 78; Intellectual disability, X-linked 1; Atkin Flaitz Patil Smith syndrome. Identifiers: Orphanet 777, MedGen C2931498, MONDO:0010656, OMIM 309530.
Inborn genetic diseases. Identifiers: MedGen C0950123, MeSH D030342.

Allele frequency attached by ClinVar (database versions not stated): gnomAD exomes 0.00001 and 0.00002; gnomAD 0.00004; ESP Exome Variant Server 0.00009; TOPMed 0.00002; ExAC 0.00002.
gnomAD v4.1: 15 of 1,209,634 alleles (0.0012%); highest among the groups gnomAD compares: African/African-American, 0.01%; no homozygotes.

Submissions (3):

Labcorp Genetics (formerly Invitae), Labcorp
Classification: Likely benign for Intellectual developmental disorder, X-linked 1. Last evaluated: 2025-05-19. Review status: criteria provided, single submitter. Criteria: Invitae Variant Classification Sherloc (09022015). Collection method: clinical testing. Allele origin: germline.

GeneDx
Classification: Likely benign. Last evaluated: 2017-09-29. Review status: criteria provided, single submitter. Criteria: GeneDx Variant Classification (06012015). Collection method: clinical testing. Allele origin: germline. Affected: yes.
Comment: This variant is considered likely benign or benign based on one or more of the following criteria: it is a conservative change, it occurs at a poorly conserved position in the protein, it is predicted to be benign by multiple in silico algorithms, and/or has population frequency not consistent with disease.

Ambry Genetics
Classification: Likely benign for Inborn genetic diseases. Last evaluated: 2017-05-26. Review status: criteria provided, single submitter. Criteria: Ambry Variant Classification Scheme 2023. Collection method: clinical testing. Allele origin: germline.

NM_001111125.3(IQSEC2):c.2232G>A (p.Ser744=)

Gene: IQSEC2 (IQ motif and Sec7 domain ArfGEF 2; minus strand). Cytogenetic location: Xp11.22.
Variant type: single nucleotide variant.
Coding change: c.2232G>A on transcript NM_001111125.3 (MANE Select); coding-DNA position 2232, G replaced by A.
Protein change: p.Ser744=; no amino-acid change (serine 744 retained).
Molecular consequence: synonymous variant.
Genome position (GRCh38, 1-based): chrX:53,250,344, C>T on the plus strand (G>A on the coding strand, the complement: IQSEC2 is on the minus strand). VCF-style: chrX-53250344-C-T. GRCh37 (hg19) VCF-style: chrX-53279526-C-T.
Other names: c.1617G>A, p.Ser539= (NM_015075.2).
Identifiers: ClinVar variation 512461 (VCV000512461.13), dbSNP rs371815225, ClinGen allele CA10419967.